The following is an entry in ClinVar:

NM_004409.5(DMPK):c.*224CTG[391]

Genes: DM1-AS (DM1 locus antisense RNA; plus strand), DMPK (DM1 protein kinase; minus strand), LOC107075317 (origin of replication in DMPK trinucleotide repeat region; plus strand), LOC109461477 (dystrophia myotonica protein kinase repeat instability region; plus strand). Cytogenetic location: 19q13.32.
Variant type: Microsatellite.
Coding change: c.*224CTG[391] on transcript NM_004409.5 (MANE Select); 391 copies in a row of the 3-base unit CTG starting at c.*224.
Molecular consequence: 3 prime UTR variant.
Genome position: GRCh38, VCF-style position (the base before the change): chr19:45,770,204. GRCh37 (hg19), VCF-style position (the base before the change): chr19:46,273,462.
Other names: DM1 CTG repeat expansion; c.*217CTG[391] (NM_001081562.3, NM_001288765.2, NM_001424162.1 and 2 more transcripts); c.*222_*224TGC[391] (NM_001081563.3); c.*224CTG[391] (NM_001288764.2, NM_001424165.1, NM_001424169.1 and 1 more transcripts); c.*369CTG[391] (NM_001288766.2, NM_001424164.1, NM_001424168.1).
Identifiers: ClinVar variation 187974 (VCV000187974.1), ClinGen allele CA915951787.

ClinVar aggregate classification (germline): Pathogenic (0 of 4 stars; one submission).

Conditions:
Steinert myotonic dystrophy syndrome (DM1). Also called: STEINERT DISEASE; Myotonic dystrophy type 1; Dystrophia myotonica type 1; Steinert myotonic dystrophy; Steinert's disease. Identifiers: Orphanet 273, MedGen C3250443, MONDO:0008056, OMIM 160900.

Submission:

Institute of Molecular, Cell and Systems Biology, University of Glasgow
Classification: Pathogenic for Steinert myotonic dystrophy syndrome. Review status: no assertion criteria provided. Criteria: research. Collection method: research. Allele origin: germline. Inheritance: Autosomal dominant inheritance. Affected: yes. Observed: 1 heterozygote.
Comment: DMPK CTG repeat expansions greater than approximately 45-50 repeats are assumed to be pathogenic

This record is based on data published in PubMed 25052313, which reports only ClinVar accessions SCV000120188 and SCV000120189. The complete data set includes SCV000207445 - SCV000207579.

Literature cited by the submitters: PubMed 1346923; PubMed 1546326; PubMed 25052313.